The following is an entry in ClinVar:

ClinVar aggregate classification (germline): Benign/Likely benign. Review status: criteria provided, multiple submitters, no conflicts (2 of 4 stars). 7 submissions from 7 submitters: Benign (1); Likely benign (6). Last evaluated 2025-12-03.

Conditions:
Charcot-Marie-Tooth disease. Also called: Charcot-Marie-Tooth Neuropathy; Charcot-Marie-Tooth Hereditary Neuropathy. Identifiers: Orphanet 166, MedGen C0007959, MONDO:0015626.
Charcot-Marie-Tooth disease, type I (CMT1). Also called: Charcot-Marie-Tooth disease type 1; Charcot-Marie-Tooth, Type 1. Identifiers: Orphanet 65753, MedGen C0751036, MONDO:0019011.
MPZ-related disorder. Also called: MPZ-related disorders; MPZ-related condition.

Allele frequency attached by ClinVar (database versions not stated): ExAC 0.00043; ESP Exome Variant Server 0.00046; TOPMed 0.00022; gnomAD exomes 0.00025 and 0.00033; gnomAD 0.00036 and 0.00037.
gnomAD v4.1: 524 of 1,589,372 alleles (0.033%); highest among the groups gnomAD compares: Non-Finnish European, 0.041%; no homozygotes.

Submissions (7):

Labcorp Genetics (formerly Invitae), Labcorp
Classification: Likely benign for Charcot-Marie-Tooth disease, type I. Last evaluated: 2025-12-03. Review status: criteria provided, single submitter. Criteria: Invitae Variant Classification Sherloc (09022015). Collection method: clinical testing. Allele origin: germline.

CeGaT Center for Human Genetics Tuebingen
Classification: Likely benign. Last evaluated: 2025-12-01. Review status: criteria provided, single submitter. Criteria: CeGaT Center For Human Genetics Tuebingen Variant Classification Criteria Version 2. Collection method: clinical testing. Allele origin: germline. Affected: yes. Observed: 6 variant alleles.
Comment: MPZ: BP4, BP7

PreventionGenetics, part of Exact Sciences
Classification: Likely benign for MPZ-related condition. Last evaluated: 2025-03-14. Review status: criteria provided, single submitter. Criteria: ACMG Guidelines, 2015. Collection method: clinical testing. Allele origin: germline.
Comment: This variant is classified as likely benign based on ACMG/AMP sequence variant interpretation guidelines (Richards et al. 2015 PMID: 25741868, with internal and published modifications).

Women's Health and Genetics/Laboratory Corporation of America, LabCorp
Classification: Benign. Last evaluated: 2025-02-10. Review status: criteria provided, single submitter. Criteria: LabCorp Variant Classification Summary - May 2015. Collection method: clinical testing. Allele origin: germline.

Blueprint Genetics
Classification: Likely benign. Last evaluated: 2024-10-23. Review status: criteria provided, single submitter. Criteria: ACMG Guidelines, 2015. Collection method: clinical testing. Allele origin: germline.

GeneDx
Classification: Likely benign. Last evaluated: 2017-12-07. Review status: criteria provided, single submitter. Criteria: GeneDx Variant Classification (06012015). Collection method: clinical testing. Allele origin: germline. Affected: yes.
Comment: This variant is considered likely benign or benign based on one or more of the following criteria: it is a conservative change, it occurs at a poorly conserved position in the protein, it is predicted to be benign by multiple in silico algorithms, and/or has population frequency not consistent with disease.

Molecular Genetics Laboratory, London Health Sciences Centre
Classification: Likely benign for Charcot-Marie-Tooth disease. Review status: criteria provided, single submitter. Criteria: ACMG Guidelines, 2015. Collection method: clinical testing. Allele origin: germline. Affected: yes.

NM_000530.8(MPZ):c.24C>T (p.Ser8=)

Gene: MPZ (myelin protein zero; minus strand). Cytogenetic location: 1q23.3.
Variant type: single nucleotide variant.
Coding change: c.24C>T on transcript NM_000530.8 (MANE Select); coding-DNA position 24, C replaced by T.
Protein change: p.Ser8=; no amino-acid change (serine 8 retained).
Molecular consequence: synonymous variant.
Genome position (GRCh38, 1-based): chr1:161,309,882, G>A on the plus strand (C>T on the coding strand, the complement: MPZ is on the minus strand). VCF-style: chr1-161309882-G-A. GRCh37 (hg19) VCF-style: chr1-161279672-G-A.
Other names: c.24C>T (LRG_256t1, NM_000530.7); c.24C>T, p.Ser8= (NM_001315491.2).
Identifiers: ClinVar variation 462791 (VCV000462791.58), dbSNP rs144841836, ClinGen allele CA1210257.